The following is an entry in ClinVar:

NM_001363711.2(DUOX2):c.2165C>T (p.Ser722Phe)

Gene: DUOX2 (dual oxidase 2; minus strand). Cytogenetic location: 15q21.1.
Variant type: single nucleotide variant.
Coding change: c.2165C>T on transcript NM_001363711.2 (MANE Select); coding-DNA position 2165, C replaced by T.
Protein change: p.Ser722Phe; replaces serine 722 with phenylalanine.
Molecular consequence: missense variant.
Genome position (GRCh38, 1-based): chr15:45,105,812, G>A on the plus strand (C>T on the coding strand, the complement: DUOX2 is on the minus strand). VCF-style: chr15-45105812-G-A. GRCh37 (hg19) VCF-style: chr15-45398010-G-A.
Other names: c.2165C>T, p.Ser722Phe (NM_014080.5); short protein forms S722F.
Identifiers: ClinVar variation 2971962 (VCV002971962.3), dbSNP rs1316659085, ClinGen allele CA392271298.

ClinVar aggregate classification (germline): Uncertain significance (1 of 4 stars; one submission).

Allele frequency attached by ClinVar (database versions not stated): gnomAD exomes 0.00001; TOPMed 0.00001.

Submission:

Labcorp Genetics (formerly Invitae), Labcorp
Classification: Uncertain significance. Last evaluated: 2025-03-24. Review status: criteria provided, single submitter. Criteria: Invitae Variant Classification Sherloc (09022015). Collection method: clinical testing. Allele origin: germline.
Comment: This sequence change replaces serine, which is neutral and polar, with phenylalanine, which is neutral and non-polar, at codon 722 of the DUOX2 protein (p.Ser722Phe). This variant is present in population databases (no rsID available, gnomAD 0.0009%). This variant has not been reported in the literature in individuals affected with DUOX2-related conditions. ClinVar contains an entry for this variant (Variation ID: 2971962). Invitae Evidence Modeling of protein sequence and biophysical properties (such as structural, functional, and spatial information, amino acid conservation, physicochemical variation, residue mobility, and thermodynamic stability) indicates that this missense variant is not expected to disrupt DUOX2 protein function with a negative predictive value of 80%. In summary, the available evidence is currently insufficient to determine the role of this variant in disease. Therefore, it has been classified as a Variant of Uncertain Significance.